The following is an entry in ClinVar:

ClinVar aggregate classification (germline): Pathogenic/Likely pathogenic. Review status: criteria provided, multiple submitters, no conflicts (2 of 4 stars). 4 submissions from 4 submitters: Pathogenic (3); Likely pathogenic (1). Last evaluated 2025-02-03.

Conditions:
Hereditary cancer-predisposing syndrome. Also called: Hereditary Cancer Syndrome; Neoplastic Syndromes, Hereditary; Tumor predisposition; Hereditary neoplastic syndrome. Identifiers: Orphanet 140162, MedGen C0027672, MeSH D009386, MONDO:0015356.
Familial cancer of breast. Also called: Hereditary breast cancer; hereditary breast carcinoma; BREAST CANCER, FAMILIAL. Identifiers: Orphanet 227535, MedGen C0346153, MONDO:0016419, OMIM 114480. Disease mechanism: loss of function.
Ataxia-telangiectasia syndrome (AT). Also called: Ataxia telangiectasia (A-T); Ataxia-telangiectasia, complementation group E; LOUIS-BAR SYNDROME; Cerebello-oculocutaneous telangiectasia; Immunodeficiency with ataxia telangiectasia; Ataxia-telangiectasia, complementation group D. Identifiers: Orphanet 100, MedGen C0004135, MONDO:0008840, OMIM 208900.

Submissions (4):

Labcorp Genetics (formerly Invitae), Labcorp
Classification: Pathogenic for Ataxia-telangiectasia syndrome. Last evaluated: 2025-02-03. Review status: criteria provided, single submitter. Criteria: Invitae Variant Classification Sherloc (09022015). Collection method: clinical testing. Allele origin: germline.
Comment: This sequence change creates a premature translational stop signal (p.Ile326Argfs*3) in the ATM gene. It is expected to result in an absent or disrupted protein product. Loss-of-function variants in ATM are known to be pathogenic (PMID: 23807571, 25614872). This variant is not present in population databases (gnomAD no frequency). This variant has not been reported in the literature in individuals affected with ATM-related conditions. Algorithms developed to predict the effect of sequence changes on RNA splicing suggest that this variant may disrupt the consensus splice site. For these reasons, this variant has been classified as Pathogenic.

Myriad Genetics, Inc.
Classification: Pathogenic for Familial cancer of breast. Last evaluated: 2024-01-11. Review status: criteria provided, single submitter. Criteria: Myriad Autosomal Dominant, Autosomal Recessive and X-Linked Classification Criteria (2023). Collection method: clinical testing. Allele origin: unknown.
Comment: This variant is considered pathogenic. This variant creates a frameshift predicted to result in premature protein truncation.

Ambry Genetics
Classification: Pathogenic for Hereditary cancer-predisposing syndrome. Last evaluated: 2023-07-28. Review status: criteria provided, single submitter. Criteria: Ambry Variant Classification Scheme 2023. Collection method: clinical testing. Allele origin: germline.
Comment: The c.977_978delTA pathogenic mutation, located in coding exon 7 of the ATM gene, results from a deletion of two nucleotides at nucleotide positions 977 to 978, causing a translational frameshift with a predicted alternate stop codon (p.I326Rfs*3). This alteration is expected to result in loss of function by premature protein truncation or nonsense-mediated mRNA decay. As such, this alteration is interpreted as a disease-causing mutation.

Baylor Genetics
Classification: Likely pathogenic for Familial cancer of breast. Last evaluated: 2023-03-22. Review status: criteria provided, single submitter. Criteria: ACMG Guidelines, 2015. Collection method: clinical testing. Allele origin: unknown.

Literature cited by the submitters: PubMed 23807571 (cited by Labcorp Genetics (formerly Invitae), Labcorp); PubMed 25614872 (cited by Labcorp Genetics (formerly Invitae), Labcorp).

NM_000051.4(ATM):c.977_978del (p.Ile326fs)

Gene: ATM (ATM serine/threonine kinase; plus strand). Cytogenetic location: 11q22.3.
Variant type: Microsatellite.
Coding change: c.977_978del on transcript NM_000051.4 (MANE Select); coding-DNA positions 977 to 978, 2 bases deleted (TA; older notation c.977_978delTA).
Protein change: p.Ile326fs; shifts the reading frame from isoleucine 326.
Molecular consequence: frameshift variant.
Genome position (GRCh38, 1-based): chr11:108,247,039-108,247,040, TA deleted; deleting any 2 consecutive bases within chr11:108,247,036-108,247,040 gives the same sequence; the c. name uses the placement nearest the transcript's 3' end. VCF-style (leftmost placement, unchanged base first): chr11-108247035-CAT-C. GRCh37 (hg19) VCF-style: chr11-108117762-CAT-C.
Other names: c.977_978delTA (NM_000051.3); c.977_978del, p.Ile326fs (NM_001351834.2); short protein forms I326fs.
Identifiers: ClinVar variation 230901 (VCV000230901.12), dbSNP rs876658832, ClinGen allele CA10578987.